The following is an entry in ClinVar:

ClinVar aggregate classification (germline): Uncertain significance. Review status: criteria provided, multiple submitters, no conflicts (2 of 4 stars). 2 submissions from 2 submitters: Uncertain significance (2). Last evaluated 2025-05-12.

Conditions:
Peroxisome biogenesis disorder 2B (PBD2B). Identifiers: Orphanet 44, MedGen C3550234, MONDO:0008736, OMIM 202370.

Allele frequency attached by ClinVar (database versions not stated): gnomAD 0.00001; gnomAD exomes 0.00001; TOPMed 0.00001.

Submissions (2):

Labcorp Genetics (formerly Invitae), Labcorp
Classification: Uncertain significance for Peroxisome biogenesis disorder 2B. Last evaluated: 2025-05-12. Review status: criteria provided, single submitter. Criteria: Invitae Variant Classification Sherloc (09022015). Collection method: clinical testing. Allele origin: germline.
Comment: This sequence change replaces arginine, which is basic and polar, with glutamine, which is neutral and polar, at codon 344 of the PEX5 protein (p.Arg344Gln). This variant is present in population databases (no rsID available, gnomAD 0.006%). This variant has not been reported in the literature in individuals affected with PEX5-related conditions. ClinVar contains an entry for this variant (Variation ID: 1055688). Invitae Evidence Modeling of protein sequence and biophysical properties (such as structural, functional, and spatial information, amino acid conservation, physicochemical variation, residue mobility, and thermodynamic stability) indicates that this missense variant is not expected to disrupt PEX5 protein function with a negative predictive value of 80%. In summary, the available evidence is currently insufficient to determine the role of this variant in disease. Therefore, it has been classified as a Variant of Uncertain Significance.

Blueprint Genetics
Classification: Uncertain significance. Last evaluated: 2023-07-14. Review status: criteria provided, single submitter. Criteria: ACMG Guidelines, 2015. Collection method: clinical testing. Allele origin: germline.

NM_001351132.2(PEX5):c.1031G>A (p.Arg344Gln)

Gene: PEX5 (peroxisomal biogenesis factor 5; plus strand). Cytogenetic location: 12p13.31.
Variant type: single nucleotide variant.
Coding change: c.1031G>A on transcript NM_001351132.2 (MANE Select); coding-DNA position 1031, G replaced by A.
Protein change: p.Arg344Gln; replaces arginine 344 with glutamine.
Molecular consequence: missense variant.
Genome position (GRCh38, 1-based): chr12:7,207,723, G>A. VCF-style: chr12-7207723-G-A. GRCh37 (hg19) VCF-style: chr12-7360319-G-A.
Other names: c.1007G>A, p.Arg336Gln (NM_000319.5); c.1076G>A, p.Arg359Gln (NM_001131023.2); c.920G>A, p.Arg307Gln (NM_001131024.2, NM_001351124.3, NM_001351126.2 and 7 more transcripts); c.1031G>A, p.Arg344Gln (NM_001131025.2, NM_001131026.2, NM_001300789.3 and 4 more transcripts); c.965G>A, p.Arg322Gln (NM_001351135.3, NM_001351138.2); c.1022G>A, p.Arg341Gln (NM_001351136.2); c.896G>A, p.Arg299Gln (NM_001351139.2, NM_001351140.2, NM_001374649.2); short protein forms R299Q, R307Q, R322Q, R336Q, R341Q, R344Q, R359Q.
Identifiers: ClinVar variation 1055688 (VCV001055688.6), dbSNP rs892031813, ClinGen allele CA232475101.